The following is an entry in ClinVar:

NM_020975.6(RET):c.2299A>C (p.Ser767Arg)

Gene: RET (ret proto-oncogene; plus strand). Cytogenetic location: 10q11.21.
Variant type: single nucleotide variant.
Coding change: c.2299A>C on transcript NM_020975.6 (MANE Select); coding-DNA position 2299, A replaced by C.
Protein change: p.Ser767Arg; replaces serine 767 with arginine.
Molecular consequence: missense variant.
Genome position (GRCh38, 1-based): chr10:43,118,387, A>C. VCF-style: chr10-43118387-A-C. GRCh37 (hg19) VCF-style: chr10-43613835-A-C.
Other names: c.2170A>C, p.Ser724Arg (NM_001406764.1, NM_001406761.1, NM_001406762.1); c.2164A>C, p.Ser722Arg (NM_001406765.1, NM_001406763.1); c.1282A>C, p.Ser428Arg (NM_001406785.1); c.1273A>C, p.Ser425Arg (NM_001406786.1, NM_001406783.1); c.2299A>C, p.Ser767Arg (NM_020630.7, NM_001406744.1, NM_001406759.1 and 2 more transcripts); c.1267A>C, p.Ser423Arg (NM_001406787.1); c.1114A>C, p.Ser372Arg (NM_001406788.1, NM_001406789.1, NM_001406790.1); c.994A>C, p.Ser332Arg (NM_001406791.1); and 10 more; short protein forms S372R, S428R, S437R, S513R, S679R, S767R, S468R, S592R.
Identifiers: ClinVar variation 3720927 (VCV003720927.2).

ClinVar aggregate classification (germline): Uncertain significance (1 of 4 stars; one submission).

Conditions:
Multiple endocrine neoplasia, type 2 (MEN2). Identifiers: Orphanet 653, MedGen C4048306, MONDO:0019003. Disease mechanism: gain of function.

Submission:

Labcorp Genetics (formerly Invitae), Labcorp
Classification: Uncertain significance for Multiple endocrine neoplasia, type 2. Last evaluated: 2024-10-28. Review status: criteria provided, single submitter. Criteria: Invitae Variant Classification Sherloc (09022015). Collection method: clinical testing. Allele origin: germline.
Comment: This sequence change replaces serine, which is neutral and polar, with arginine, which is basic and polar, at codon 767 of the RET protein (p.Ser767Arg). This variant is not present in population databases (gnomAD no frequency). This missense change has been observed in individual(s) with Hirschprung disease (PMID: 7581377). An algorithm developed to predict the effect of missense changes on protein structure and function (PolyPhen-2) suggests that this variant is likely to be disruptive. Experimental studies have shown that this missense change affects RET function (PMID: 10921886, 11438491, 14715928, 22837065). In summary, the available evidence is currently insufficient to determine the role of this variant in disease. Therefore, it has been classified as a Variant of Uncertain Significance.

Literature cited by the submitters: PubMed 7581377; PubMed 10921886; PubMed 11438491; PubMed 14715928; PubMed 22837065.